The following is an entry in ClinVar:

ClinVar aggregate classification (germline): Uncertain significance (1 of 4 stars; one submission).

Conditions:
Familial thoracic aortic aneurysm and aortic dissection (TAAD). Also called: Thoracic aortic aneurysms and dissections. Identifiers: Orphanet 91387, MedGen C4707243, MONDO:0019625.

Submission:

Color Diagnostics, LLC DBA Color Health
Classification: Uncertain significance for Familial thoracic aortic aneurysm and aortic dissection. Last evaluated: 2024-03-06. Review status: criteria provided, single submitter. Criteria: ACMG Guidelines, 2015. Collection method: clinical testing. Allele origin: germline.
Comment: This missense variant replaces asparagine with lysine at codon 154 of the TGFBR2 protein. Computational prediction suggests that this variant may not impact protein structure and function (internally defined REVEL score threshold <= 0.5, PMID: 27666373). To our knowledge, functional studies have not been reported for this variant. This variant has not been reported in individuals affected with cardiovascular disorders in the literature. This variant has not been identified in the general population by the Genome Aggregation Database (gnomAD). The available evidence is insufficient to determine the role of this variant in disease conclusively. Therefore, this variant is classified as a Variant of Uncertain Significance.

NM_003242.6(TGFBR2):c.462C>G (p.Asn154Lys)

Gene: TGFBR2 (transforming growth factor beta receptor 2; plus strand). Cytogenetic location: 3p24.1.
Variant type: single nucleotide variant.
Coding change: c.462C>G on transcript NM_003242.6 (MANE Select); coding-DNA position 462, C replaced by G.
Protein change: p.Asn154Lys; replaces asparagine 154 with lysine.
Molecular consequence: missense variant.
Genome position (GRCh38, 1-based): chr3:30,671,645, C>G. VCF-style: chr3-30671645-C-G. GRCh37 (hg19) VCF-style: chr3-30713137-C-G.
Other names: c.537C>G, p.Asn179Lys (NM_001024847.3); c.645C>G, p.Asn215Lys (NM_001407126.1); c.570C>G, p.Asn190Lys (NM_001407127.1); c.489C>G, p.Asn163Lys (NM_001407128.1); c.465C>G, p.Asn155Lys (NM_001407129.1); c.357C>G, p.Asn119Lys (NM_001407133.1, NM_001407134.1, NM_001407132.1 and 2 more transcripts); c.462C>G, p.Asn154Lys (NM_001407130.1); c.177C>G, p.Asn59Lys (NM_001407137.1); and 1 more; short protein forms N179K, N154K, N163K, N34K, N59K, N119K, N155K, N190K.
Identifiers: ClinVar variation 921252 (VCV000921252.5), dbSNP rs1699338437, ClinGen allele CA351807165.